The following is an entry in ClinVar:

ClinVar aggregate classification (germline): Uncertain significance. Review status: criteria provided, multiple submitters, no conflicts (2 of 4 stars). 2 submissions from 2 submitters: Uncertain significance (2). Last evaluated 2026-07-06.

Conditions:
Hereditary cancer-predisposing syndrome. Also called: Hereditary neoplastic syndrome; Hereditary Cancer Syndrome; Neoplastic Syndromes, Hereditary; Tumor predisposition. Identifiers: Orphanet 140162, MedGen C0027672, MeSH D009386, MONDO:0015356.
Endometrial carcinoma. Also called: Endometrial carcinoma, somatic. Identifiers: MedGen C0476089, MONDO:0002447, OMIM 608089, HP:0012114.

Submissions (2):

Ambry Genetics
Classification: Uncertain significance for Hereditary cancer-predisposing syndrome. Last evaluated: 2026-07-06. Review status: criteria provided, single submitter. Criteria: Ambry Variant Classification Scheme 2023. Collection method: clinical testing. Allele origin: germline.
Comment: The p.F689L variant (also known as c.2067C>G), located in coding exon 4 of the MSH6 gene, results from a C to G substitution at nucleotide position 2067. The phenylalanine at codon 689 is replaced by leucine, an amino acid with highly similar properties. This amino acid position is conserved. In addition, the in silico prediction for this alteration is inconclusive. Based on the available evidence, the clinical significance of this variant remains unclear.

Baylor Genetics
Classification: Uncertain significance for Endometrial carcinoma. Last evaluated: 2023-10-10. Review status: criteria provided, single submitter. Criteria: ACMG Guidelines, 2015. Collection method: clinical testing. Allele origin: unknown.

NM_000179.3(MSH6):c.2067C>G (p.Phe689Leu)

Gene: MSH6 (mutS homolog 6; plus strand). Cytogenetic location: 2p16.3.
Variant type: single nucleotide variant.
Coding change: c.2067C>G on transcript NM_000179.3 (MANE Select); coding-DNA position 2067, C replaced by G.
Protein change: p.Phe689Leu; replaces phenylalanine 689 with leucine.
Molecular consequence: missense variant. On other transcripts: non-coding transcript variant (5), intron variant (2).
Genome position (GRCh38, 1-based): chr2:47,800,050, C>G. VCF-style: chr2-47800050-C-G. GRCh37 (hg19) VCF-style: chr2-48027189-C-G.
Other names: c.1606+461C>G (NM_001406817.1); c.628-616C>G (NM_001407362.1); c.1677C>G, p.Phe559Leu (NM_001281492.2); c.2163C>G, p.Phe721Leu (NM_001406802.1, NM_001406795.1); c.2067C>G, p.Phe689Leu (NM_001406803.1, NM_001406808.1, NM_001406809.1 and 3 more transcripts); c.1989C>G, p.Phe663Leu (NM_001406804.1); c.1770C>G, p.Phe590Leu (NM_001406805.1, NM_001406797.1, NM_001406801.1 and 10 more transcripts); c.1542C>G, p.Phe514Leu (NM_001406806.1, NM_001406807.1, NM_001406799.1); and 3 more; short protein forms F387L, F514L, F559L, F590L, F633L, F663L, F689L, F691L.
Identifiers: ClinVar variation 2676789 (VCV002676789.2), dbSNP rs1572725594, ClinGen allele CA346750791.